The following is an entry in ClinVar:

NM_001114753.3(ENG):c.667del (p.Val223fs)

Gene: ENG (endoglin; minus strand). Cytogenetic location: 9q34.11.
Variant type: Deletion.
Coding change: c.667del on transcript NM_001114753.3 (MANE Select); coding-DNA position 667, one base deleted (G; older notation c.667delG).
Protein change: p.Val223fs; shifts the reading frame from valine 223.
Molecular consequence: frameshift variant.
Genome position (GRCh38, 1-based): chr9:127,825,717, C deleted on the plus strand (G on the coding strand, the reverse complement: ENG is on the minus strand); the first of 3 consecutive C bases (chr9:127,825,717-127,825,719); deleting any one gives the same sequence. VCF-style (leftmost placement, unchanged base first): chr9-127825716-AC-A. GRCh37 (hg19) VCF-style: chr9-130587995-AC-A.
Other names: c.667delG (NM_001114753.1); c.665delG, p.Val223Serfs (NM_000118.4, NM_001406715.1); c.121del, p.Val41fs (NM_001278138.2); short protein forms V223fs, V41fs.
Identifiers: ClinVar variation 811215 (VCV000811215.10), dbSNP rs1588582666, ClinGen allele CA915947182.
Genomic context (GRCh38, chr9:127,825,716, plus strand): 5'-GGGTGGGGACTAGTGTCAGGGGCGGGGCGAGAGCCATACCCGGCCGAGTGGCCCGGCAGG[AC>A]CCTCAGGATGTGCGCCTCCTTGTGGCCGGCCACGCCTTCCAAGTGGCAGCCCCGGACCAA-3'

ClinVar aggregate classification (germline): Pathogenic. Review status: criteria provided, multiple submitters, no conflicts (2 of 4 stars). 2 submissions from 2 submitters: Pathogenic (2). Last evaluated 2025-04-22.

Conditions:
Telangiectasia, hereditary hemorrhagic, type 1 (HHT1). Also called: Osler Weber Rendu syndrome type 1; ENG-Related Hereditary Hemorrhagic Telangiectasia. Identifiers: Orphanet 774, MedGen C4551861, MONDO:0008535, OMIM 187300. Disease mechanism: loss of function.
Cardiovascular phenotype. Identifiers: MedGen CN230736.

Submissions (2):

Ambry Genetics
Classification: Pathogenic for Cardiovascular phenotype. Last evaluated: 2025-04-22. Review status: criteria provided, single submitter. Criteria: Ambry Variant Classification Scheme 2023. Collection method: clinical testing. Allele origin: germline.
Comment: The c.667delG pathogenic mutation, located in coding exon 5 of the ENG gene, results from a deletion of one nucleotide at nucleotide position 667, causing a translational frameshift with a predicted alternate stop codon (p.V223Sfs*12). This variant has been reported in hereditary hemorrhagic telangiectasia (HHT) cohorts (Richards-Yutz J et al. Hum Genet, 2010 Jul;128:61-77; Nishida T et al. Am J Med Genet A, 2012 Nov;158A:2829-34; Shovlin CL et al. Blood, 2020 Oct;136:1907-1918). This variant is considered to be rare based on population cohorts in the Genome Aggregation Database (gnomAD). In addition to the clinical data presented in the literature, this alteration is expected to result in loss of function by premature protein truncation or nonsense-mediated mRNA decay. As such, this alteration is interpreted as a disease-causing mutation.

ARUP Laboratories, Molecular Genetics and Genomics, ARUP Laboratories
Classification: Pathogenic for Telangiectasia, hereditary hemorrhagic, type 1. Last evaluated: 2018-12-17. Review status: criteria provided, single submitter. Criteria: ARUP Molecular Germline Variant Investigation Process. Collection method: clinical testing. Allele origin: germline.
Comment: The ENG c.667delG; p.Val223fs variant, also described as c.665delG in the literature, is reported in an individual with hereditary hemorrhagic telangiectasia (Nishida 2012). This variant is absent from general population databases (1000 Genomes Project, Exome Variant Server, and Genome Aggregation Database), indicating it is not a common polymorphism. This variant causes a frameshift by deleting a single nucleotide, so it is predicted to result in a truncated protein or mRNA subject to nonsense-mediated decay. Based on available information, this variant is considered to be pathogenic. REFERENCES Nishida T et al. Brain arteriovenous malformations associated with hereditary hemorrhagic telangiectasia: gene-phenotype correlations. Am J Med Genet A. 2012 Nov;158A(11):2829-34.

Literature cited by the submitters: PubMed 20414677 (cited by Ambry Genetics); PubMed 22991266 (cited by Ambry Genetics); PubMed 32573726 (cited by Ambry Genetics).